The following is an entry in ClinVar:

NM_198428.3(BBS9):c.736C>T (p.Leu246Phe)

Gene: BBS9 (Bardet-Biedl syndrome 9; plus strand). Cytogenetic location: 7p14.3.
Variant type: single nucleotide variant.
Coding change: c.736C>T on transcript NM_198428.3 (MANE Select); coding-DNA position 736, C replaced by T.
Protein change: p.Leu246Phe; replaces leucine 246 with phenylalanine.
Molecular consequence: missense variant. On other transcripts: non-coding transcript variant (3).
Genome position (GRCh38, 1-based): chr7:33,273,045, C>T. VCF-style: chr7-33273045-C-T. GRCh37 (hg19) VCF-style: chr7-33312657-C-T.
Other names: p.Leu246Phe; c.736C>T, p.Leu246Phe (NM_001033604.2, NM_001033605.2, NM_001348036.1 and 5 more transcripts); c.370C>T, p.Leu124Phe (NM_001348037.3, NM_001348044.3, NM_001348045.3 and 1 more transcripts); c.463C>T, p.Leu155Phe (NM_001348038.3, NM_001348039.3); c.601C>T, p.Leu201Phe (NM_001348042.3); short protein forms L246F, L124F, L201F, L155F.
Identifiers: ClinVar variation 235610 (VCV000235610.21), dbSNP rs140821420, ClinGen allele CA4214100.

ClinVar aggregate classification (germline): Uncertain significance. Review status: criteria provided, multiple submitters, no conflicts (2 of 4 stars). 9 submissions from 9 submitters: Uncertain significance (9). Last evaluated 2025-12-28.

Conditions:
BBS9-related ciliopathy. Identifiers: MedGen CN375911, MONDO:0700236.
BBS9-related disorder. Also called: BBS9-related condition.
Bardet-Biedl syndrome (BBS). Identifiers: Orphanet 110, MedGen C0752166, MONDO:0015229.
Bardet-Biedl syndrome 9 (BBS9). Identifiers: Orphanet 110, MedGen C1859567, MONDO:0014437, OMIM 615986.

Allele frequency attached by ClinVar (database versions not stated): gnomAD 0.00016 and 0.00018; TOPMed 0.00020; ESP Exome Variant Server 0.00023; ExAC 0.00012; gnomAD exomes 0.00013.
gnomAD v4.1: 493 of 1,613,438 alleles (0.031%); highest among the groups gnomAD compares: Non-Finnish European, 0.04%; 1 homozygote.

Submissions (9):

PreventionGenetics, part of Exact Sciences
Classification: Uncertain significance for BBS9-related condition. Last evaluated: 2025-12-28. Review status: criteria provided, single submitter. Criteria: ACMG Guidelines, 2015. Collection method: clinical testing. Allele origin: germline.
Comment: The BBS9 c.736C>T variant is predicted to result in the amino acid substitution p.Leu246Phe. To our knowledge, this variant has not been reported in the literature. This variant is reported in 0.026% of alleles in individuals of European (Non-Finnish) descent in gnomAD. At this time, the clinical significance of this variant is uncertain due to the absence of conclusive functional and genetic evidence.

Mayo Clinic Laboratories, Mayo Clinic
Classification: Uncertain significance. Last evaluated: 2025-05-05. Review status: criteria provided, single submitter. Criteria: ACMG Guidelines, 2015. Collection method: clinical testing. Allele origin: germline. Observed: 1 variant allele.
Comment: PP3, PM2_supporting

Blueprint Genetics
Classification: Uncertain significance. Last evaluated: 2024-09-08. Review status: criteria provided, single submitter. Criteria: ACMG Guidelines, 2015. Collection method: clinical testing. Allele origin: germline.

Fulgent Genetics
Classification: Uncertain significance for Bardet-Biedl syndrome 9. Last evaluated: 2024-04-09. Review status: criteria provided, single submitter. Criteria: ACMG Guidelines, 2015. Collection method: clinical testing. Allele origin: germline.

GeneDx
Classification: Uncertain significance. Last evaluated: 2024-03-22. Review status: criteria provided, single submitter. Criteria: GeneDx Variant Classification Process June 2021. Collection method: clinical testing. Allele origin: germline. Affected: yes.
Comment: In silico analysis supports that this missense variant has a deleterious effect on protein structure/function; Has not been previously published as pathogenic or benign to our knowledge

Labcorp Genetics (formerly Invitae), Labcorp
Classification: Uncertain significance for Bardet-Biedl syndrome. Last evaluated: 2022-10-13. Review status: criteria provided, single submitter. Criteria: Invitae Variant Classification Sherloc (09022015). Collection method: clinical testing. Allele origin: germline.
Comment: This sequence change replaces leucine, which is neutral and non-polar, with phenylalanine, which is neutral and non-polar, at codon 246 of the BBS9 protein (p.Leu246Phe). This variant is present in population databases (rs140821420, gnomAD 0.03%). This variant has not been reported in the literature in individuals affected with BBS9-related conditions. ClinVar contains an entry for this variant (Variation ID: 235610). Advanced modeling of protein sequence and biophysical properties (such as structural, functional, and spatial information, amino acid conservation, physicochemical variation, residue mobility, and thermodynamic stability) performed at Invitae indicates that this missense variant is not expected to disrupt BBS9 protein function. In summary, the available evidence is currently insufficient to determine the role of this variant in disease. Therefore, it has been classified as a Variant of Uncertain Significance.

Department of Pathology and Laboratory Medicine, Sinai Health System
Classification: Uncertain significance for BBS9-related ciliopathy. Last evaluated: 2022-05-17. Review status: criteria provided, single submitter. Criteria: ACMG Guidelines, 2015. Collection method: research. Allele origin: germline.

Illumina Laboratory Services, Illumina
Classification: Uncertain significance for Bardet-Biedl syndrome 9. Last evaluated: 2018-01-13. Review status: criteria provided, single submitter. Criteria: ICSL Variant Classification Criteria 13 December 2019. Collection method: clinical testing. Allele origin: germline.

Center for Pediatric Genomic Medicine, Children's Mercy Hospital and Clinics
Classification: Uncertain significance. Last evaluated: 2016-05-16. Review status: criteria provided, single submitter. Criteria: ACMG Guidelines, 2015. Collection method: clinical testing. Allele origin: germline.
ClinVar note: Converted during submission from Uncertain Significance to Uncertain significance.